The following is an entry in ClinVar:

NM_000548.5(TSC2):c.1872C>G (p.Asp624Glu)

Gene: TSC2 (TSC complex subunit 2; plus strand). Cytogenetic location: 16p13.3.
Variant type: single nucleotide variant.
Coding change: c.1872C>G on transcript NM_000548.5 (MANE Select); coding-DNA position 1872, C replaced by G.
Protein change: p.Asp624Glu; replaces aspartic acid 624 with glutamic acid.
Molecular consequence: missense variant.
Genome position (GRCh38, 1-based): chr16:2,071,542, C>G. VCF-style: chr16-2071542-C-G. GRCh37 (hg19) VCF-style: chr16-2121543-C-G.
Other names: c.1872C>G, p.Asp624Glu (NM_001077183.3, NM_001114382.3, NM_001363528.2 and 3 more transcripts); c.1761C>G, p.Asp587Glu (NM_001318827.2); c.1725C>G, p.Asp575Glu (NM_001318829.2); c.1272C>G, p.Asp424Glu (NM_001318831.2); c.1905C>G, p.Asp635Glu (NM_001318832.2); short protein forms D624E, D587E, D635E, D424E, D575E.
Identifiers: ClinVar variation 1490184 (VCV001490184.6), dbSNP rs1596342301, ClinGen allele CA394273089.

ClinVar aggregate classification (germline): Uncertain significance (1 of 4 stars; one submission).

Conditions:
Tuberous sclerosis 2 (TSC2). Identifiers: Orphanet 805, MedGen C1860707, MONDO:0013199, OMIM 613254.

gnomAD v4.1: 2 of 1,613,576 alleles (0.00012%); highest among the groups gnomAD compares: Non-Finnish European, 0.000085%; no homozygotes.

Submission:

Labcorp Genetics (formerly Invitae), Labcorp
Classification: Uncertain significance for Tuberous sclerosis 2. Last evaluated: 2022-08-23. Review status: criteria provided, single submitter. Criteria: Invitae Variant Classification Sherloc (09022015). Collection method: clinical testing. Allele origin: germline.
Comment: In summary, the available evidence is currently insufficient to determine the role of this variant in disease. Therefore, it has been classified as a Variant of Uncertain Significance. Advanced modeling of protein sequence and biophysical properties (such as structural, functional, and spatial information, amino acid conservation, physicochemical variation, residue mobility, and thermodynamic stability) performed at Invitae indicates that this missense variant is not expected to disrupt TSC2 protein function. ClinVar contains an entry for this variant (Variation ID: 1490184). This variant has not been reported in the literature in individuals affected with TSC2-related conditions. This variant is not present in population databases (gnomAD no frequency). This sequence change replaces aspartic acid, which is acidic and polar, with glutamic acid, which is acidic and polar, at codon 624 of the TSC2 protein (p.Asp624Glu).